The following is an entry in ClinVar:

NM_001100.4(ACTA1):c.130-11_130-10delinsTC

Gene: ACTA1 (actin alpha 1, skeletal muscle; minus strand). Cytogenetic location: 1q42.13.
Variant type: Indel.
Coding change: c.130-11_130-10delinsTC on transcript NM_001100.4 (MANE Select); 11 bases into the intron before coding-DNA position 130 through 10 bases into the intron before coding-DNA position 130, CG replaced by TC.
Molecular consequence: intron variant.
Genome position (GRCh38, 1-based): chr1:229,432,890-229,432,891, CG replaced by GA on the plus strand (CG replaced by TC on the coding strand, the reverse complement: ACTA1 is on the minus strand). VCF-style: chr1-229432890-CG-GA. GRCh37 (hg19) VCF-style: chr1-229568637-CG-GA.
Identifiers: ClinVar variation 3684229 (VCV003684229.2).
Genomic context (GRCh38, chr1:229,432,890, plus strand): 5'-AGCCTCGTCGCCCACGTAGGAATCTTTCTGACCCATACCGACCATGACGCCCTGCAGAGC[CG>GA]AGACACCACGCACCCGTTAACGCCGCTCCGGGTGGCACCAGGCTGGCTTACGCGGGGACC-3'

ClinVar aggregate classification (germline): Uncertain significance (1 of 4 stars; one submission).

Conditions:
Actin accumulation myopathy (CMYO2A). Also called: CONGENITAL MYOPATHY 2A, TYPICAL, AUTOSOMAL DOMINANT; Nemaline myopathy type 3; Myopathy, actin, congenital, with excess of thin myofilaments; Myopathy, actin, congenital, with cores; Nemaline myopathy 3, with intranuclear rods. Identifiers: Orphanet 98904, MedGen C3711389, MONDO:0008070, OMIM 161800.

Submission:

Labcorp Genetics (formerly Invitae), Labcorp
Classification: Uncertain significance for Actin accumulation myopathy. Last evaluated: 2024-07-17. Review status: criteria provided, single submitter. Criteria: Invitae Variant Classification Sherloc (09022015). Collection method: clinical testing. Allele origin: germline.
Comment: This sequence change falls in intron 2 of the ACTA1 gene. It does not directly change the encoded amino acid sequence of the ACTA1 protein. Information on the frequency of this variant in the gnomAD database is not available, as this variant may be reported differently in the database. This variant has not been reported in the literature in individuals affected with ACTA1-related conditions. Experimental studies and prediction algorithms are not available or were not evaluated, and the effect of this variant on mRNA splicing is currently unknown. In summary, the available evidence is currently insufficient to determine the role of this variant in disease. Therefore, it has been classified as a Variant of Uncertain Significance.